The following is an entry in ClinVar:

NM_005515.4(MNX1):c.311G>A (p.Gly104Asp)

Gene: MNX1 (motor neuron and pancreas homeobox 1; minus strand). Cytogenetic location: 7q36.3.
Variant type: single nucleotide variant.
Coding change: c.311G>A on transcript NM_005515.4 (MANE Select); coding-DNA position 311, G replaced by A.
Protein change: p.Gly104Asp; replaces glycine 104 with aspartic acid.
Molecular consequence: missense variant.
Genome position (GRCh38, 1-based): chr7:157,010,040, C>T on the plus strand (G>A on the coding strand, the complement: MNX1 is on the minus strand). VCF-style: chr7-157010040-C-T. GRCh37 (hg19) VCF-style: chr7-156802734-C-T.
Other names: short protein forms G104D.
Identifiers: ClinVar variation 1999681 (VCV001999681.4), dbSNP rs2537781454, ClinGen allele CA370164818.

ClinVar aggregate classification (germline): Uncertain significance (1 of 4 stars; one submission).

Submission:

Labcorp Genetics (formerly Invitae), Labcorp
Classification: Uncertain significance. Last evaluated: 2022-11-28. Review status: criteria provided, single submitter. Criteria: Invitae Variant Classification Sherloc (09022015). Collection method: clinical testing. Allele origin: germline.
Comment: In summary, the available evidence is currently insufficient to determine the role of this variant in disease. Therefore, it has been classified as a Variant of Uncertain Significance. Advanced modeling of protein sequence and biophysical properties (such as structural, functional, and spatial information, amino acid conservation, physicochemical variation, residue mobility, and thermodynamic stability) performed at Invitae indicates that this missense variant is not expected to disrupt MNX1 protein function. This variant has not been reported in the literature in individuals affected with MNX1-related conditions. The frequency data for this variant in the population databases is considered unreliable, as metrics indicate insufficient coverage at this position in the gnomAD database. This sequence change replaces glycine, which is neutral and non-polar, with aspartic acid, which is acidic and polar, at codon 104 of the MNX1 protein (p.Gly104Asp).